The following is an entry in ClinVar:

ClinVar aggregate classification (germline): Likely benign. Review status: criteria provided, single submitter (1 of 4 stars). 2 submissions from 2 submitters: Likely benign (1). 1 of the submissions does not count toward it. Last evaluated 2022-12-30.

Conditions:
CHD1-related disorder. Also called: CHD1-related condition.

Allele frequency attached by ClinVar (database versions not stated): gnomAD exomes 0.00001; ExAC 0.00002; TOPMed 0.00007; gnomAD 0.00009; 1000 Genomes Project 30x 0.00016; 1000 Genomes Project 0.00020.
gnomAD v4.1: 22 of 1,548,774 alleles (0.0014%); highest among the groups gnomAD compares: African/African-American, 0.022%; no homozygotes.

Submissions (2):

Blueprint Genetics
Classification: Likely benign. Last evaluated: 2022-12-30. Review status: criteria provided, single submitter. Criteria: ACMG Guidelines, 2015. Collection method: clinical testing. Allele origin: germline.

PreventionGenetics, part of Exact Sciences
Classification: Likely benign for CHD1-related condition. Last evaluated: 2019-07-25. Review status: no assertion criteria provided. Collection method: clinical testing. Allele origin: germline. Not counted in ClinVar's aggregate classification.
Comment: This variant is classified as likely benign based on ACMG/AMP sequence variant interpretation guidelines (Richards et al. 2015 PMID: 25741868, with internal and published modifications).

NM_001270.4(CHD1):c.256-4A>G

Gene: CHD1 (chromodomain helicase DNA binding protein 1; minus strand). Cytogenetic location: 5q21.1.
Variant type: single nucleotide variant.
Coding change: c.256-4A>G on transcript NM_001270.4 (MANE Select); 4 bases into the intron before coding-DNA position 256, A replaced by G.
Molecular consequence: intron variant.
Genome position (GRCh38, 1-based): chr5:98,903,912, T>C on the plus strand (A>G on the coding strand, the complement: CHD1 is on the minus strand). VCF-style: chr5-98903912-T-C. GRCh37 (hg19) VCF-style: chr5-98239616-T-C.
Other names: c.256-4A>G (NM_001376194.2, NM_001364113.3).
Identifiers: ClinVar variation 3049992 (VCV003049992.3), dbSNP rs372894251, ClinGen allele CA3356644.